The following is an entry in ClinVar:

ClinVar aggregate classification (germline): Benign/Likely benign. Review status: criteria provided, multiple submitters, no conflicts (2 of 4 stars). 4 submissions from 4 submitters: Benign (1); Likely benign (3). Last evaluated 2025-03-02.

Conditions:
Hereditary cancer-predisposing syndrome. Also called: Neoplastic Syndromes, Hereditary; Tumor predisposition; Hereditary Cancer Syndrome; Hereditary neoplastic syndrome. Identifiers: Orphanet 140162, MedGen C0027672, MeSH D009386, MONDO:0015356.
Hereditary nonpolyposis colorectal neoplasms. Identifiers: MedGen C0009405, MeSH D003123.
Lynch syndrome 5 (LYNCH5). Also called: Colorectal cancer, hereditary nonpolyposis, type 5; Hereditary non-polyposis colorectal cancer, type 5. Identifiers: Orphanet 144, MedGen C1833477, MONDO:0013710, OMIM 614350. Disease mechanism: loss of function.

Submissions (4):

Ambry Genetics
Classification: Likely benign for Hereditary cancer-predisposing syndrome. Last evaluated: 2025-03-02. Review status: criteria provided, single submitter. Criteria: Ambry Variant Classification Scheme 2023. Collection method: clinical testing. Allele origin: germline.

Myriad Genetics, Inc.
Classification: Benign for Lynch syndrome 5. Last evaluated: 2024-12-26. Review status: criteria provided, single submitter. Criteria: Myriad Autosomal Dominant, Autosomal Recessive and X-Linked Classification Criteria (2023). Collection method: clinical testing. Allele origin: unknown.
Comment: This variant is considered benign. This variant is a silent/synonymous amino acid change and it is not expected to impact splicing.

Labcorp Genetics (formerly Invitae), Labcorp
Classification: Likely benign for Hereditary nonpolyposis colorectal neoplasms. Last evaluated: 2022-06-20. Review status: criteria provided, single submitter. Criteria: Invitae Variant Classification Sherloc (09022015). Collection method: clinical testing. Allele origin: germline.

Color Diagnostics, LLC DBA Color Health
Classification: Likely benign for Hereditary cancer-predisposing syndrome. Last evaluated: 2020-01-06. Review status: criteria provided, single submitter. Criteria: ACMG Guidelines, 2015. Collection method: clinical testing. Allele origin: germline.

NM_000179.3(MSH6):c.1344G>A (p.Gly448=)

Gene: MSH6 (mutS homolog 6; plus strand). Cytogenetic location: 2p16.3.
Variant type: single nucleotide variant.
Coding change: c.1344G>A on transcript NM_000179.3 (MANE Select); coding-DNA position 1344, G replaced by A.
Protein change: p.Gly448=; no amino-acid change (glycine 448 retained).
Molecular consequence: synonymous variant.
Genome position (GRCh38, 1-based): chr2:47,799,327, G>A. VCF-style: chr2-47799327-G-A. GRCh37 (hg19) VCF-style: chr2-48026466-G-A.
Other names: c.954G>A, p.Gly318= (NM_001281492.2); c.438G>A, p.Gly146= (NM_001281493.2, NM_001281494.2).
Identifiers: ClinVar variation 918589 (VCV000918589.12), dbSNP rs1669322206, ClinGen allele CA426121054.
Genomic context (GRCh38, chr2:47,799,327, plus strand): 5'-GGTGGGGAAATTTTATGAGCTGTACCACATGGATGCTCTTATTGGAGTCAGTGAACTGGG[G>A]CTGGTATTCATGAAAGGCAACTGGGCCCATTCTGGCTTTCCTGAAATTGCATTTGGCCGT-3'
Protein context (NP_000170.1, residues 438-458): MDALIGVSEL[Gly448=]LVFMKGNWAH